The following is an entry in ClinVar:

ClinVar aggregate classification (germline): Uncertain significance. Review status: criteria provided, multiple submitters, no conflicts (2 of 4 stars). 3 submissions from 3 submitters: Uncertain significance (3). Last evaluated 2022-08-09.

Conditions:
COG7 congenital disorder of glycosylation (CDG2E). Also called: CONGENITAL DISORDER OF GLYCOSYLATION, TYPE IIe; CDG IIe. Identifiers: Orphanet 79333, MedGen C2931010, MONDO:0012118, OMIM 608779.

Allele frequency attached by ClinVar (database versions not stated): ExAC 0.00001; TOPMed 0.00001.
gnomAD v4.1: 11 of 1,613,824 alleles (0.00068%); highest among the groups gnomAD compares: Admixed American, 0.0083%; no homozygotes.

Submissions (3):

Labcorp Genetics (formerly Invitae), Labcorp
Classification: Uncertain significance for COG7 congenital disorder of glycosylation. Last evaluated: 2022-08-09. Review status: criteria provided, single submitter. Criteria: Invitae Variant Classification Sherloc (09022015). Collection method: clinical testing. Allele origin: germline.
Comment: In summary, the available evidence is currently insufficient to determine the role of this variant in disease. Therefore, it has been classified as a Variant of Uncertain Significance. Algorithms developed to predict the effect of missense changes on protein structure and function output the following: SIFT: "Tolerated"; PolyPhen-2: "Benign"; Align-GVGD: "Class C0". The asparagine amino acid residue is found in multiple mammalian species, which suggests that this missense change does not adversely affect protein function. ClinVar contains an entry for this variant (Variation ID: 573240). This variant has not been reported in the literature in individuals affected with COG7-related conditions. This variant is present in population databases (rs764545607, gnomAD 0.009%). This sequence change replaces aspartic acid, which is acidic and polar, with asparagine, which is neutral and polar, at codon 364 of the COG7 protein (p.Asp364Asn).

Fulgent Genetics
Classification: Uncertain significance for COG7 congenital disorder of glycosylation. Last evaluated: 2021-11-05. Review status: criteria provided, single submitter. Criteria: ACMG Guidelines, 2015. Collection method: clinical testing. Allele origin: unknown.

Illumina Laboratory Services, Illumina
Classification: Uncertain significance for COG7 congenital disorder of glycosylation. Last evaluated: 2018-01-13. Review status: criteria provided, single submitter. Criteria: ICSL Variant Classification Criteria 13 December 2019. Collection method: clinical testing. Allele origin: germline.

NM_153603.4(COG7):c.1090G>A (p.Asp364Asn)

Gene: COG7 (component of oligomeric golgi complex 7; minus strand). Cytogenetic location: 16p12.2.
Variant type: single nucleotide variant.
Coding change: c.1090G>A on transcript NM_153603.4 (MANE Select); coding-DNA position 1090, G replaced by A.
Protein change: p.Asp364Asn; replaces aspartic acid 364 with asparagine.
Molecular consequence: missense variant.
Genome position (GRCh38, 1-based): chr16:23,418,747, C>T on the plus strand (G>A on the coding strand, the complement: COG7 is on the minus strand). VCF-style: chr16-23418747-C-T. GRCh37 (hg19) VCF-style: chr16-23430068-C-T.
Other names: short protein forms D364N.
Identifiers: ClinVar variation 573240 (VCV000573240.9), dbSNP rs764545607, ClinGen allele CA7961088.